The following is an entry in ClinVar:

ClinVar aggregate classification (germline): Benign. Review status: criteria provided, multiple submitters, no conflicts (2 of 4 stars). 3 submissions from 3 submitters: Benign (3). Last evaluated 2021-07-14.

Conditions:
Autosomal recessive ataxia due to ubiquinone deficiency. Also called: SPINOCEREBELLAR ATAXIA, AUTOSOMAL RECESSIVE 9; Coenzyme Q10 deficiency, primary, 4. Identifiers: Orphanet 139485, MedGen C2677589, MONDO:0012784, OMIM 612016.

Allele frequency attached by ClinVar (database versions not stated): 1000 Genomes Project 30x 0.19472; 1000 Genomes Project 0.19828; ESP Exome Variant Server 0.20324; TOPMed 0.20536.
gnomAD v4.1: 358,317 of 1,612,054 alleles (22%); highest among the groups gnomAD compares: East Asian, 32%; 40,727 homozygotes.

Submissions (3):

Genome-Nilou Lab
Classification: Benign for Autosomal recessive ataxia due to ubiquinone deficiency. Last evaluated: 2021-07-14. Review status: criteria provided, single submitter. Criteria: ACMG Guidelines, 2015. Collection method: clinical testing. Allele origin: germline. Affected: no.

GeneDx
Classification: Benign. Last evaluated: 2018-06-14. Review status: criteria provided, single submitter. Criteria: GeneDx Variant Classification (06012015). Collection method: clinical testing. Allele origin: germline. Affected: yes.
Comment: This variant is considered likely benign or benign based on one or more of the following criteria: it is a conservative change, it occurs at a poorly conserved position in the protein, it is predicted to be benign by multiple in silico algorithms, and/or has population frequency not consistent with disease.

Breakthrough Genomics
Classification: Benign. Review status: criteria provided, single submitter. Criteria: ACMG Guidelines, 2015. Collection method: not provided. Allele origin: germline. Inheritance: Autosomal recessive inheritance. Affected: yes.

NM_020247.5(COQ8A):c.940-52C>G

Gene: COQ8A (coenzyme Q8A; plus strand). Cytogenetic location: 1q42.13.
Variant type: single nucleotide variant.
Coding change: c.940-52C>G on transcript NM_020247.5 (MANE Select); 52 bases into the intron before coding-DNA position 940, C replaced by G.
Molecular consequence: intron variant.
Genome position (GRCh38, 1-based): chr1:226,982,842, C>G. VCF-style: chr1-226982842-C-G. GRCh37 (hg19) VCF-style: chr1-227170543-C-G.
Identifiers: ClinVar variation 671531 (VCV000671531.5), dbSNP rs2297413, ClinGen allele CA10704025.